The following is an entry in ClinVar:

NM_005257.6(GATA6):c.592C>A (p.Leu198Met)

Gene: GATA6 (GATA binding protein 6; plus strand). Cytogenetic location: 18q11.2.
Variant type: single nucleotide variant.
Coding change: c.592C>A on transcript NM_005257.6 (MANE Select); coding-DNA position 592, C replaced by A.
Protein change: p.Leu198Met; replaces leucine 198 with methionine.
Molecular consequence: missense variant.
Genome position (GRCh38, 1-based): chr18:22,171,736, C>A. VCF-style: chr18-22171736-C-A. GRCh37 (hg19) VCF-style: chr18-19751697-C-A.
Other names: short protein forms L198M.
Identifiers: ClinVar variation 1373961 (VCV001373961.8), dbSNP rs387906814, ClinGen allele CA401800079.

ClinVar aggregate classification (germline): Uncertain significance (1 of 4 stars; one submission).

Conditions:
Atrioventricular septal defect 5 (AVSD5). Identifiers: MedGen C3280939, MONDO:0013769, OMIM 614474.

gnomAD v4.1: 1 of 1,469,042 alleles (0.000068%); no homozygotes.

Submission:

Labcorp Genetics (formerly Invitae), Labcorp
Classification: Uncertain significance for Atrioventricular septal defect 5. Last evaluated: 2022-07-23. Review status: criteria provided, single submitter. Criteria: Invitae Variant Classification Sherloc (09022015). Collection method: clinical testing. Allele origin: germline.
Comment: In summary, the available evidence is currently insufficient to determine the role of this variant in disease. Therefore, it has been classified as a Variant of Uncertain Significance. Algorithms developed to predict the effect of missense changes on protein structure and function are either unavailable or do not agree on the potential impact of this missense change (SIFT: "Tolerated"; PolyPhen-2: "Probably Damaging"; Align-GVGD: "Class C0"). ClinVar contains an entry for this variant (Variation ID: 1373961). This variant has not been reported in the literature in individuals affected with GATA6-related conditions. This variant is not present in population databases (gnomAD no frequency). This sequence change replaces leucine, which is neutral and non-polar, with methionine, which is neutral and non-polar, at codon 198 of the GATA6 protein (p.Leu198Met).